The following is an entry in ClinVar:

NM_006766.5(KAT6A):c.4430C>T (p.Ser1477Leu)

Gene: KAT6A (lysine acetyltransferase 6A; minus strand). Cytogenetic location: 8p11.21.
Variant type: single nucleotide variant.
Coding change: c.4430C>T on transcript NM_006766.5 (MANE Select); coding-DNA position 4430, C replaced by T.
Protein change: p.Ser1477Leu; replaces serine 1477 with leucine.
Molecular consequence: missense variant.
Genome position (GRCh38, 1-based): chr8:41,933,790, G>A on the plus strand (C>T on the coding strand, the complement: KAT6A is on the minus strand). VCF-style: chr8-41933790-G-A. GRCh37 (hg19) VCF-style: chr8-41791308-G-A.
Other names: short protein forms S1477L.
Identifiers: ClinVar variation 3112760 (VCV003112760.2), dbSNP rs2486754822, ClinGen allele CA371065828.

ClinVar aggregate classification (germline): Uncertain significance (1 of 4 stars; one submission).

Conditions:
Inborn genetic diseases. Identifiers: MedGen C0950123, MeSH D030342.

Submission:

Ambry Genetics
Classification: Uncertain significance for Inborn genetic diseases. Last evaluated: 2024-04-17. Review status: criteria provided, single submitter. Criteria: Ambry Variant Classification Scheme 2023. Collection method: clinical testing. Allele origin: germline.
Comment: The c.4430C>T (p.S1477L) alteration is located in exon 17 (coding exon 16) of the KAT6A gene. This alteration results from a C to T substitution at nucleotide position 4430, causing the serine (S) at amino acid position 1477 to be replaced by a leucine (L). This variant was not reported in population-based cohorts in the Genome Aggregation Database (gnomAD). This amino acid position is highly conserved in available vertebrate species. This alteration is predicted to be deleterious by in silico analysis. Based on insufficient or conflicting evidence, the clinical significance of this alteration remains unclear.